The following is an entry in ClinVar:

ClinVar aggregate classification (germline): Uncertain significance (1 of 4 stars; one submission).

Allele frequency attached by ClinVar (database versions not stated): TOPMed 0.00001.

Submission:

Labcorp Genetics (formerly Invitae), Labcorp
Classification: Uncertain significance. Last evaluated: 2024-10-16. Review status: criteria provided, single submitter. Criteria: Invitae Variant Classification Sherloc (09022015). Collection method: clinical testing. Allele origin: germline.
Comment: This sequence change replaces arginine, which is basic and polar, with histidine, which is basic and polar, at codon 78 of the GRM6 protein (p.Arg78His). This variant is not present in population databases (gnomAD no frequency). This variant has not been reported in the literature in individuals affected with GRM6-related conditions. ClinVar contains an entry for this variant (Variation ID: 1037287). Invitae Evidence Modeling of protein sequence and biophysical properties (such as structural, functional, and spatial information, amino acid conservation, physicochemical variation, residue mobility, and thermodynamic stability) indicates that this missense variant is not expected to disrupt GRM6 protein function with a negative predictive value of 95%. In summary, the available evidence is currently insufficient to determine the role of this variant in disease. Therefore, it has been classified as a Variant of Uncertain Significance.

NM_000843.4(GRM6):c.233G>A (p.Arg78His)

Gene: GRM6 (glutamate metabotropic receptor 6; minus strand). Cytogenetic location: 5q35.3.
Variant type: single nucleotide variant.
Coding change: c.233G>A on transcript NM_000843.4 (MANE Select); coding-DNA position 233, G replaced by A.
Protein change: p.Arg78His; replaces arginine 78 with histidine.
Molecular consequence: missense variant.
Genome position (GRCh38, 1-based): chr5:178,994,712, C>T on the plus strand (G>A on the coding strand, the complement: GRM6 is on the minus strand). VCF-style: chr5-178994712-C-T. GRCh37 (hg19) VCF-style: chr5-178421713-C-T.
Other names: short protein forms R78H.
Identifiers: ClinVar variation 1037287 (VCV001037287.8), dbSNP rs1193992490, ClinGen allele CA362436800.